The following is an entry in ClinVar:

NM_014727.3(KMT2B):c.7441G>A (p.Gly2481Arg)

Gene: KMT2B (lysine methyltransferase 2B; plus strand). Cytogenetic location: 19q13.12.
Variant type: single nucleotide variant.
Coding change: c.7441G>A on transcript NM_014727.3 (MANE Select); coding-DNA position 7441, G replaced by A.
Protein change: p.Gly2481Arg; replaces glycine 2481 with arginine.
Molecular consequence: missense variant.
Genome position (GRCh38, 1-based): chr19:35,737,154, G>A. VCF-style: chr19-35737154-G-A. GRCh37 (hg19) VCF-style: chr19-36228055-G-A.
Other names: short protein forms G2481R.
Identifiers: ClinVar variation 5039959 (VCV005039959.1).

ClinVar aggregate classification (germline): Uncertain significance (1 of 4 stars; one submission).

Submission:

CeGaT Center for Human Genetics Tuebingen
Classification: Uncertain significance. Last evaluated: 2026-06-01. Review status: criteria provided, single submitter. Criteria: CeGaT Center For Human Genetics Tuebingen Variant Classification Criteria Version 2. Collection method: clinical testing. Allele origin: germline. Affected: yes. Observed: 1 variant allele.
Comment: KMT2B: PM2